The following is an entry in ClinVar:

NM_021020.5(LZTS1):c.345+6C>T

Gene: LZTS1 (leucine zipper tumor suppressor 1; minus strand). Cytogenetic location: 8p21.3.
Variant type: single nucleotide variant.
Coding change: c.345+6C>T on transcript NM_021020.5 (MANE Select); 6 bases into the intron after coding-DNA position 345, C replaced by T.
Molecular consequence: intron variant.
Genome position (GRCh38, 1-based): chr8:20,254,831, G>A on the plus strand (C>T on the coding strand, the complement: LZTS1 is on the minus strand). VCF-style: chr8-20254831-G-A. GRCh37 (hg19) VCF-style: chr8-20112342-G-A.
Other names: c.345+6C>T (NM_001362884.2).
Identifiers: ClinVar variation 3608882 (VCV003608882.2).

ClinVar aggregate classification (germline): Uncertain significance (1 of 4 stars; one submission).

gnomAD v4.1: 18 of 1,598,004 alleles (0.0011%); highest among the groups gnomAD compares: South Asian, 0.015%; no homozygotes.

Submission:

Labcorp Genetics (formerly Invitae), Labcorp
Classification: Uncertain significance. Last evaluated: 2024-12-11. Review status: criteria provided, single submitter. Criteria: Invitae Variant Classification Sherloc (09022015). Collection method: clinical testing. Allele origin: germline.
Comment: This sequence change falls in intron 1 of the LZTS1 gene. It does not directly change the encoded amino acid sequence of the LZTS1 protein. It affects a nucleotide within the consensus splice site. This variant is present in population databases (rs767677007, gnomAD 0.007%). This variant has not been reported in the literature in individuals affected with LZTS1-related conditions. Variants that disrupt the consensus splice site are a relatively common cause of aberrant splicing (PMID: 17576681, 9536098). Algorithms developed to predict the effect of sequence changes on RNA splicing suggest that this variant is not likely to affect RNA splicing. In summary, the available evidence is currently insufficient to determine the role of this variant in disease. Therefore, it has been classified as a Variant of Uncertain Significance.

Literature cited by the submitters: PubMed 17576681; PubMed 9536098.